The following is an entry in ClinVar:

NM_001142864.4(PIEZO1):c.5214+7C>T

Gene: PIEZO1 (piezo type mechanosensitive ion channel component 1 (Er blood group); minus strand). Cytogenetic location: 16q24.3.
Variant type: single nucleotide variant.
Coding change: c.5214+7C>T on transcript NM_001142864.4 (MANE Select); 7 bases into the intron after coding-DNA position 5214, C replaced by T.
Molecular consequence: intron variant.
Genome position (GRCh38, 1-based): chr16:88,721,801, G>A on the plus strand (C>T on the coding strand, the complement: PIEZO1 is on the minus strand). VCF-style: chr16-88721801-G-A. GRCh37 (hg19) VCF-style: chr16-88788209-G-A.
Identifiers: ClinVar variation 736498 (VCV000736498.14), dbSNP rs764990602, ClinGen allele CA8231940.

ClinVar aggregate classification (germline): Conflicting classifications of pathogenicity. Review status: criteria provided, conflicting classifications (1 of 4 stars). 3 submissions from 3 submitters: Uncertain significance (1); Likely benign (1). 1 of the submissions does not count toward it. Last evaluated 2025-07-11.

Conditions:
PIEZO1-related disorder. Also called: PIEZO1-related condition; PIEZO1-Related Disorders.

Allele frequency attached by ClinVar (database versions not stated): 1000 Genomes Project 30x 0.00016; ExAC 0.00034; gnomAD 0.00044 and 0.00047; TOPMed 0.00059.
gnomAD v4.1: 335 of 1,539,076 alleles (0.022%); highest among the groups gnomAD compares: African/African-American, 0.14%; no homozygotes.

Submissions (3):

Labcorp Genetics (formerly Invitae), Labcorp
Classification: Likely benign. Last evaluated: 2025-07-11. Review status: criteria provided, single submitter. Criteria: Invitae Variant Classification Sherloc (09022015). Collection method: clinical testing. Allele origin: germline.

Mayo Clinic Laboratories, Mayo Clinic
Classification: Uncertain significance. Last evaluated: 2022-03-04. Review status: criteria provided, single submitter. Criteria: ACMG Guidelines, 2015. Collection method: clinical testing. Allele origin: germline. Observed: 6 variant alleles.

PreventionGenetics, part of Exact Sciences
Classification: Likely benign for PIEZO1-related condition. Last evaluated: 2020-11-03. Review status: no assertion criteria provided. Collection method: clinical testing. Allele origin: germline. Not counted in ClinVar's aggregate classification.
Comment: This variant is classified as likely benign based on ACMG/AMP sequence variant interpretation guidelines (Richards et al. 2015 PMID: 25741868, with internal and published modifications).

Literature cited by the submitters: PubMed 32410215 (cited by Mayo Clinic Laboratories, Mayo Clinic).